The following is an entry in ClinVar:

ClinVar aggregate classification (germline): Uncertain significance. Review status: criteria provided, multiple submitters, no conflicts (2 of 4 stars). 5 submissions from 5 submitters: Uncertain significance (5). Last evaluated 2026-03-31.

Conditions:
Inborn genetic diseases. Identifiers: MedGen C0950123, MeSH D030342.
Donnai-Barrow syndrome. Also called: DBS/FOAR SYNDROME; FACIOOCULOACOUSTICORENAL SYNDROME. Identifiers: Orphanet 2143, MedGen C1857277, MONDO:0009104, OMIM 222448.

Allele frequency attached by ClinVar (database versions not stated): TOPMed 0.00001.
gnomAD v4.1: 48 of 1,613,868 alleles (0.003%); highest among the groups gnomAD compares: South Asian, 0.049%; no homozygotes.

Submissions (5):

GeneDx
Classification: Uncertain significance. Last evaluated: 2026-03-31. Review status: criteria provided, single submitter. Criteria: GeneDx Variant Classification Process June 2021. Collection method: clinical testing. Allele origin: germline.
Comment: In silico analysis supports that this missense variant has a deleterious effect on protein structure/function; Has not been previously published as pathogenic or benign in association with a LRP2-related disorder to our knowledge; This variant is associated with the following publications: (PMID: Kotecha2014[article])

Revvity Omics, Revvity
Classification: Uncertain significance for Donnai-Barrow syndrome. Last evaluated: 2024-07-02. Review status: criteria provided, single submitter. Criteria: ACMG Guidelines, 2015. Collection method: clinical testing. Allele origin: germline.

Ambry Genetics
Classification: Uncertain significance for Inborn genetic diseases. Last evaluated: 2023-10-05. Review status: criteria provided, single submitter. Criteria: Ambry Variant Classification Scheme 2023. Collection method: clinical testing. Allele origin: germline.

Labcorp Genetics (formerly Invitae), Labcorp
Classification: Uncertain significance. Last evaluated: 2022-03-01. Review status: criteria provided, single submitter. Criteria: Invitae Variant Classification Sherloc (09022015). Collection method: clinical testing. Allele origin: germline.
Comment: This sequence change replaces aspartic acid, which is acidic and polar, with histidine, which is basic and polar, at codon 1499 of the LRP2 protein (p.Asp1499His). This variant is present in population databases (rs201993572, gnomAD 0.05%). This variant has not been reported in the literature in individuals affected with LRP2-related conditions. Algorithms developed to predict the effect of missense changes on protein structure and function are either unavailable or do not agree on the potential impact of this missense change (SIFT: "Deleterious"; PolyPhen-2: "Probably Damaging"; Align-GVGD: "Class C0"). In summary, the available evidence is currently insufficient to determine the role of this variant in disease. Therefore, it has been classified as a Variant of Uncertain Significance.

Neuberg Centre For Genomic Medicine, NCGM
Classification: Uncertain significance for Donnai-Barrow syndrome. Review status: criteria provided, single submitter. Criteria: ACMG Guidelines, 2015. Collection method: clinical testing. Allele origin: germline. Inheritance: Autosomal recessive inheritance. Affected: yes.
Comment: The missense variant c.4495G>C(p.Asp1499His) in LRP2 gene has not been reported previously as a pathogenic variant nor as a benign variant, to our knowledge. The observed variant has allele frequency of 0.007% in gnomAD exomes database. This variant has been submitted to the ClinVar database as Uncertain Significance. The amino acid change p.Asp1499His in LRP2 is predicted as conserved by GERP++ and PhyloP across 100 vertebrates. Multiple lines of computational evidence (Polyphen, SIFT and MutationTaster) predict a damaging effect on protein structure and function for this variant. The amino acid Asp at position 1499 is changed to a His changing protein sequence and it might alter its composition and physico-chemical properties. For these reasons, this variant has been classified as Uncertain Significance (VUS).

NM_004525.3(LRP2):c.4495G>C (p.Asp1499His)

Gene: LRP2 (LDL receptor related protein 2; minus strand). Cytogenetic location: 2q31.1.
Variant type: single nucleotide variant.
Coding change: c.4495G>C on transcript NM_004525.3 (MANE Select); coding-DNA position 4495, G replaced by C.
Protein change: p.Asp1499His; replaces aspartic acid 1499 with histidine.
Molecular consequence: missense variant.
Genome position (GRCh38, 1-based): chr2:169,238,102, C>G on the plus strand (G>C on the coding strand, the complement: LRP2 is on the minus strand). VCF-style: chr2-169238102-C-G. GRCh37 (hg19) VCF-style: chr2-170094612-C-G.
Other names: c.4495G>C (NM_004525.2); short protein forms D1499H.
Identifiers: ClinVar variation 2186074 (VCV002186074.5), dbSNP rs201993572, ClinGen allele CA1954795.
Genomic context (GRCh38, chr2:169,238,102, plus strand): 5'-CCAAGACAGAGGAACTAGCCAGGCCAAAGGTCAACAGAAATGTACTTACCACTCTTCTGT[C>G]CGTTCCATTTTGAAACGCACTCCAGGTTTTACCCTGAGTTGCATCAGACCAAAAGATACG-3'
Protein context (NP_004516.2, residues 1489-1509): KTWSAFQNGT[Asp1499His]RRVVFDSSII